The following is an entry in ClinVar:

NM_001042492.3(NF1):c.5284G>A (p.Val1762Ile)

Gene: NF1 (neurofibromin 1; plus strand). Cytogenetic location: 17q11.2.
Variant type: single nucleotide variant.
Coding change: c.5284G>A on transcript NM_001042492.3 (MANE Select); coding-DNA position 5284, G replaced by A.
Protein change: p.Val1762Ile; replaces valine 1762 with isoleucine.
Molecular consequence: missense variant.
Genome position (GRCh38, 1-based): chr17:31,327,514, G>A. VCF-style: chr17-31327514-G-A. GRCh37 (hg19) VCF-style: chr17-29654532-G-A.
Other names: c.5221G>A, p.Val1741Ile (NM_000267.4); short protein forms V1741I, V1762I.
Identifiers: ClinVar variation 404481 (VCV000404481.5), dbSNP rs1060500290, ClinGen allele CA16615257.

ClinVar aggregate classification (germline): Uncertain significance (1 of 4 stars; one submission).

Conditions:
Neurofibromatosis, type 1 (NF1). Also called: Neurofibromatosis, type I; NEUROFIBROMATOSIS, TYPE I, SOMATIC; Peripheral type neurofibromatosis; VON RECKLINGHAUSEN DISEASE. Identifiers: Orphanet 636, MedGen C0027831, MONDO:0018975, OMIM 162200. Disease mechanism: loss of function.

Submission:

Labcorp Genetics (formerly Invitae), Labcorp
Classification: Uncertain significance for Neurofibromatosis, type 1. Last evaluated: 2025-02-03. Review status: criteria provided, single submitter. Criteria: Invitae Variant Classification Sherloc (09022015). Collection method: clinical testing. Allele origin: germline.
Comment: This sequence change replaces valine, which is neutral and non-polar, with isoleucine, which is neutral and non-polar, at codon 1741 of the NF1 protein (p.Val1741Ile). This variant is not present in population databases (gnomAD no frequency). This variant has not been reported in the literature in individuals affected with NF1-related conditions. ClinVar contains an entry for this variant (Variation ID: 404481). Invitae Evidence Modeling of protein sequence and biophysical properties (such as structural, functional, and spatial information, amino acid conservation, physicochemical variation, residue mobility, and thermodynamic stability) indicates that this missense variant is not expected to disrupt NF1 protein function with a negative predictive value of 95%. In summary, the available evidence is currently insufficient to determine the role of this variant in disease. Therefore, it has been classified as a Variant of Uncertain Significance.